The following is an entry in ClinVar:

NM_004174.4(SLC9A3):c.1405G>A (p.Glu469Lys)

Gene: SLC9A3 (solute carrier family 9 member A3). Cytogenetic location: 5p15.33.
Variant type: single nucleotide variant.
Coding change: c.1405G>A on transcript NM_004174.4 (MANE Select); coding-DNA position 1405, G replaced by A.
Protein change: p.Glu469Lys; replaces glutamic acid 469 with lysine.
Molecular consequence: missense variant.
Genome position (GRCh38, 1-based): chr5:482,109, C>T on the plus strand (G>A on the coding strand, the complement: SLC9A3 is on the minus strand). VCF-style: chr5-482109-C-T. GRCh37 (hg19) VCF-style: chr5-482224-C-T.
Other names: c.1378G>A, p.Glu460Lys (NM_001284351.3); c.1405G>A (NM_004174.2); short protein forms E469K, E460K.
Identifiers: ClinVar variation 1947934 (VCV001947934.5), dbSNP rs772434234, ClinGen allele CA3175961.

ClinVar aggregate classification (germline): Uncertain significance. Review status: criteria provided, multiple submitters, no conflicts (2 of 4 stars). 2 submissions from 2 submitters: Uncertain significance (2). Last evaluated 2025-08-20.

Conditions:
Inborn genetic diseases. Identifiers: MedGen C0950123, MeSH D030342.

Allele frequency attached by ClinVar (database versions not stated): ExAC 0.00001; gnomAD 0.00001; gnomAD exomes 0.00001.
gnomAD v4.1: 14 of 1,609,100 alleles (0.00087%); highest among the groups gnomAD compares: African/African-American, 0.0027%; no homozygotes.

Submissions (2):

Ambry Genetics
Classification: Uncertain significance for Inborn genetic diseases. Last evaluated: 2025-08-20. Review status: criteria provided, single submitter. Criteria: Ambry Variant Classification Scheme 2023. Collection method: clinical testing. Allele origin: germline.

Labcorp Genetics (formerly Invitae), Labcorp
Classification: Uncertain significance. Last evaluated: 2022-09-27. Review status: criteria provided, single submitter. Criteria: Invitae Variant Classification Sherloc (09022015). Collection method: clinical testing. Allele origin: germline.
Comment: Advanced modeling of protein sequence and biophysical properties (such as structural, functional, and spatial information, amino acid conservation, physicochemical variation, residue mobility, and thermodynamic stability) performed at Invitae indicates that this missense variant is not expected to disrupt SLC9A3 protein function. In summary, the available evidence is currently insufficient to determine the role of this variant in disease. Therefore, it has been classified as a Variant of Uncertain Significance. This variant has not been reported in the literature in individuals affected with SLC9A3-related conditions. This sequence change replaces glutamic acid, which is acidic and polar, with lysine, which is basic and polar, at codon 469 of the SLC9A3 protein (p.Glu469Lys). The frequency data for this variant in the population databases is considered unreliable, as metrics indicate poor data quality at this position in the gnomAD database.